The following is an entry in ClinVar:

ClinVar aggregate classification (germline): Uncertain significance (1 of 4 stars; one submission).

Submission:

Ambry Genetics
Classification: Uncertain significance. Last evaluated: 2022-05-04. Review status: criteria provided, single submitter. Criteria: Ambry Variant Classification Scheme 2023. Collection method: clinical testing. Allele origin: germline.
Comment: The c.57_58delAAinsGG variant (also known as p.I19_S20delinsMG), located in coding exon 1 of the MLH3 gene, results from an in-frame deletion of AA and insertion of GG at nucleotide positions 57 to 58. This results in the substitution of isoleucine and serine residues for a methionine and glycine residue at codon 19 and 20. The evidence for this gene-disease relationship is limited; therefore, the clinical significance of this alteration is unclear.

NM_001040108.2(MLH3):c.57_58delinsGG (p.Ile19_Ser20delinsMetGly)

Gene: MLH3 (mutL homolog 3; minus strand). Cytogenetic location: 14q24.3.
Variant type: Indel.
Coding change: c.57_58delinsGG on transcript NM_001040108.2 (MANE Select); coding-DNA positions 57 to 58, AA replaced by GG.
Protein change: p.Ile19_Ser20delinsMetGly.
Molecular consequence: missense variant.
Genome position (GRCh38, 1-based): chr14:75,049,598-75,049,599, TT replaced by CC on the plus strand (AA replaced by GG on the coding strand, the reverse complement: MLH3 is on the minus strand). VCF-style: chr14-75049598-TT-CC. GRCh37 (hg19) VCF-style: chr14-75516301-TT-CC.
Other names: c.57_58delinsGG, p.Ile19_Ser20delinsMetGly (NM_014381.3).
Identifiers: ClinVar variation 1749167 (VCV001749167.2), dbSNP rs2503338776, ClinGen allele CA2580089046.